The following is an entry in ClinVar:

NM_004181.5(UCHL1):c.223G>A (p.Val75Ile)

Gene: UCHL1 (ubiquitin C-terminal hydrolase L1; plus strand). Cytogenetic location: 4p13.
Variant type: single nucleotide variant.
Coding change: c.223G>A on transcript NM_004181.5 (MANE Select); coding-DNA position 223, G replaced by A.
Protein change: p.Val75Ile; replaces valine 75 with isoleucine.
Molecular consequence: missense variant.
Genome position (GRCh38, 1-based): chr4:41,260,695, G>A. VCF-style: chr4-41260695-G-A. GRCh37 (hg19) VCF-style: chr4-41262712-G-A.
Other names: short protein forms V75I.
Identifiers: ClinVar variation 899925 (VCV000899925.8), dbSNP rs148096293, ClinGen allele CA2899965.

ClinVar aggregate classification (germline): Uncertain significance. Review status: criteria provided, multiple submitters, no conflicts (2 of 4 stars). 2 submissions from 2 submitters: Uncertain significance (2). Last evaluated 2022-03-01.

Conditions:
Parkinson disease 5, autosomal dominant, susceptibility to (PARK5). Also called: Parkinson disease 5, susceptibility to. Identifiers: Orphanet 2828, MedGen C3150899, MONDO:0013340, OMIM 613643.

Allele frequency attached by ClinVar (database versions not stated): gnomAD exomes below 0.00001; ExAC 0.00001; ESP Exome Variant Server 0.00008.
gnomAD v4.1: 22 of 1,614,250 alleles (0.0014%); highest among the groups gnomAD compares: Non-Finnish European, 0.0019%; no homozygotes.

Submissions (2):

Labcorp Genetics (formerly Invitae), Labcorp
Classification: Uncertain significance. Last evaluated: 2022-03-01. Review status: criteria provided, single submitter. Criteria: Invitae Variant Classification Sherloc (09022015). Collection method: clinical testing. Allele origin: germline.
Comment: In summary, the available evidence is currently insufficient to determine the role of this variant in disease. Therefore, it has been classified as a Variant of Uncertain Significance. Algorithms developed to predict the effect of missense changes on protein structure and function output the following: SIFT: "Tolerated"; PolyPhen-2: "Benign"; Align-GVGD: "Class C0". The isoleucine amino acid residue is found in multiple mammalian species, which suggests that this missense change does not adversely affect protein function. ClinVar contains an entry for this variant (Variation ID: 899925). This variant has not been reported in the literature in individuals affected with UCHL1-related conditions. This variant is present in population databases (rs148096293, gnomAD 0.0009%). This sequence change replaces valine, which is neutral and non-polar, with isoleucine, which is neutral and non-polar, at codon 75 of the UCHL1 protein (p.Val75Ile).

Illumina Laboratory Services, Illumina
Classification: Uncertain significance for Parkinson disease 5, autosomal dominant, susceptibility to. Last evaluated: 2018-01-13. Review status: criteria provided, single submitter. Criteria: ICSL Variant Classification Criteria 13 December 2019. Collection method: clinical testing. Allele origin: germline.